The following is an entry in ClinVar:

NM_014989.7(RIMS1):c.3112A>G (p.Thr1038Ala)

Gene: RIMS1 (regulating synaptic membrane exocytosis 1; plus strand). Cytogenetic location: 6q13.
Variant type: single nucleotide variant.
Coding change: c.3112A>G on transcript NM_014989.7 (MANE Select); coding-DNA position 3112, A replaced by G.
Protein change: p.Thr1038Ala; replaces threonine 1038 with alanine.
Molecular consequence: missense variant. On other transcripts: intron variant (14).
Genome position (GRCh38, 1-based): chr6:72,260,763, A>G. VCF-style: chr6-72260763-A-G. GRCh37 (hg19) VCF-style: chr6-72970466-A-G.
Other names: c.1531A>G, p.Thr511Ala (NM_001168407.2, NM_001350415.2, NM_001350418.2 and 13 more transcripts); c.1534A>G, p.Thr512Ala (NM_001168408.2, NM_001350414.2, NM_001350416.2 and 10 more transcripts); c.1291A>G, p.Thr431Ala (NM_001168409.2, NM_001350464.2, NM_001350465.2 and 2 more transcripts); c.1489A>G, p.Thr497Ala (NM_001168410.2, NM_001350470.2, NM_001350473.2); c.1462A>G, p.Thr488Ala (NM_001350421.2, NM_001350430.2, NM_001350437.2 and 2 more transcripts); c.1465A>G, p.Thr489Ala (NM_001350424.2, NM_001350428.2, NM_001350459.2 and 1 more transcripts); c.1288A>G, p.Thr430Ala (NM_001350461.2, NM_001350463.2); c.1486A>G, p.Thr496Ala (NM_001350472.2); and 5 more; short protein forms T1038A, T430A, T431A, T488A, T489A, T496A, T497A, T511A.
Identifiers: ClinVar variation 1025458 (VCV001025458.8), dbSNP rs760584050, ClinGen allele CA3886126.

ClinVar aggregate classification (germline): Uncertain significance (1 of 4 stars; one submission).

Allele frequency attached by ClinVar (database versions not stated): gnomAD 0.00001; gnomAD exomes 0.00001; ExAC 0.00003; TOPMed 0.00003.
gnomAD v4.1: 13 of 1,612,052 alleles (0.00081%); highest among the groups gnomAD compares: Admixed American, 0.0017%; no homozygotes.

Submission:

Labcorp Genetics (formerly Invitae), Labcorp
Classification: Uncertain significance. Last evaluated: 2022-02-24. Review status: criteria provided, single submitter. Criteria: Invitae Variant Classification Sherloc (09022015). Collection method: clinical testing. Allele origin: germline.
Comment: This variant has not been reported in the literature in individuals affected with RIMS1-related conditions. This variant is present in population databases (rs760584050, gnomAD 0.003%). This sequence change replaces threonine, which is neutral and polar, with alanine, which is neutral and non-polar, at codon 1038 of the RIMS1 protein (p.Thr1038Ala). ClinVar contains an entry for this variant (Variation ID: 1025458). In summary, the available evidence is currently insufficient to determine the role of this variant in disease. Therefore, it has been classified as a Variant of Uncertain Significance. Algorithms developed to predict the effect of missense changes on protein structure and function (SIFT, PolyPhen-2, Align-GVGD) all suggest that this variant is likely to be tolerated.